The following is an entry in ClinVar:

ClinVar aggregate classification (germline): Uncertain significance. Review status: criteria provided, multiple submitters, no conflicts (2 of 4 stars). 2 submissions from 2 submitters: Uncertain significance (2). Last evaluated 2022-01-21.

Conditions:
Inborn genetic diseases. Identifiers: MedGen C0950123, MeSH D030342.

Allele frequency attached by ClinVar (database versions not stated): gnomAD exomes 0.00005 and 0.00015; TOPMed 0.00005; ExAC 0.00006; ESP Exome Variant Server 0.00008; gnomAD 0.00008 and 0.00009.
gnomAD v4.1: 226 of 1,612,936 alleles (0.014%); highest among the groups gnomAD compares: Non-Finnish European, 0.019%; no homozygotes.

Submissions (2):

Labcorp Genetics (formerly Invitae), Labcorp
Classification: Uncertain significance. Last evaluated: 2022-01-21. Review status: criteria provided, single submitter. Criteria: Invitae Variant Classification Sherloc (09022015). Collection method: clinical testing. Allele origin: germline.
Comment: This sequence change replaces lysine, which is basic and polar, with arginine, which is basic and polar, at codon 1177 of the OTOGL protein (p.Lys1177Arg). This variant is present in population databases (rs377496807, gnomAD 0.01%). This variant has not been reported in the literature in individuals affected with OTOGL-related conditions. Algorithms developed to predict the effect of missense changes on protein structure and function are either unavailable or do not agree on the potential impact of this missense change (SIFT: "Deleterious"; PolyPhen-2: "Possibly Damaging"; Align-GVGD: "Class C0"). Algorithms developed to predict the effect of sequence changes on RNA splicing suggest that this variant may create or strengthen a splice site. In summary, the available evidence is currently insufficient to determine the role of this variant in disease. Therefore, it has been classified as a Variant of Uncertain Significance.

Ambry Genetics
Classification: Uncertain significance for Inborn genetic diseases. Last evaluated: 2021-09-01. Review status: criteria provided, single submitter. Criteria: Ambry Variant Classification Scheme 2023. Collection method: clinical testing. Allele origin: germline.

NM_001378609.3(OTOGL):c.3557A>G (p.Lys1186Arg)

Gene: OTOGL (otogelin like; plus strand). Cytogenetic location: 12q21.31.
Variant type: single nucleotide variant.
Coding change: c.3557A>G on transcript NM_001378609.3 (MANE Select); coding-DNA position 3557, A replaced by G.
Protein change: p.Lys1186Arg; replaces lysine 1186 with arginine.
Molecular consequence: missense variant.
Genome position (GRCh38, 1-based): chr12:80,313,582, A>G. VCF-style: chr12-80313582-A-G. GRCh37 (hg19) VCF-style: chr12-80707362-A-G.
Other names: c.3422A>G, p.Lys1141Arg (NM_001368062.3); c.3557A>G, p.Lys1186Arg (NM_001378610.3, NM_173591.7); c.3530A>G (NM_173591.3); short protein forms K1141R, K1186R.
Identifiers: ClinVar variation 1429409 (VCV001429409.4), dbSNP rs377496807, ClinGen allele CA6701122.